The following is an entry in ClinVar:

ClinVar aggregate classification (germline): Uncertain significance (1 of 4 stars; one submission).

Conditions:
Duchenne muscular dystrophy (DMD). Also called: MUSCULAR DYSTROPHY, PSEUDOHYPERTROPHIC PROGRESSIVE, DUCHENNE TYPE; Duchenne Muscular Dystrophy (DMD). Identifiers: Orphanet 98896, MedGen C0013264, MONDO:0010679, OMIM 310200.

Submission:

Labcorp Genetics (formerly Invitae), Labcorp
Classification: Uncertain significance for Duchenne muscular dystrophy. Last evaluated: 2024-06-22. Review status: criteria provided, single submitter. Criteria: Invitae Variant Classification Sherloc (09022015). Collection method: clinical testing. Allele origin: germline.
Comment: This sequence change replaces leucine, which is neutral and non-polar, with phenylalanine, which is neutral and non-polar, at codon 460 of the DMD protein (p.Leu460Phe). This variant is not present in population databases (gnomAD no frequency). This variant has not been reported in the literature in individuals affected with DMD-related conditions. Advanced modeling of protein sequence and biophysical properties (such as structural, functional, and spatial information, amino acid conservation, physicochemical variation, residue mobility, and thermodynamic stability) performed at Invitae indicates that this missense variant is not expected to disrupt DMD protein function with a negative predictive value of 95%. In summary, the available evidence is currently insufficient to determine the role of this variant in disease. Therefore, it has been classified as a Variant of Uncertain Significance.

NM_004006.3(DMD):c.1380G>C (p.Leu460Phe)

Gene: DMD (dystrophin; minus strand). Cytogenetic location: Xp21.1.
Variant type: single nucleotide variant.
Coding change: c.1380G>C on transcript NM_004006.3 (MANE Select); coding-DNA position 1380, G replaced by C.
Protein change: p.Leu460Phe; replaces leucine 460 with phenylalanine.
Molecular consequence: missense variant.
Genome position (GRCh38, 1-based): chrX:32,614,405, C>G on the plus strand (G>C on the coding strand, the complement: DMD is on the minus strand). VCF-style: chrX-32614405-C-G. GRCh37 (hg19) VCF-style: chrX-32632522-C-G.
Other names: c.1356G>C, p.Leu452Phe (NM_000109.4); c.1368G>C, p.Leu456Phe (NM_004009.3); c.1011G>C, p.Leu337Phe (NM_004010.3); short protein forms L452F, L456F, L460F, L337F.
Identifiers: ClinVar variation 3709152 (VCV003709152.2).
Genomic context (GRCh38, chrX:32,614,405, plus strand): 5'-TCCAAGAGGCTCTTCCTCCATTTTCCTTGTTCTTTCTTCTGTTTTTGTTAGCCAGTCATT[C>G]AACTCTTTCAGTTTCTGATTCTGGAGATCCATTAAAACTCTATGTAAACTGAAAATTTGA-3'
Protein context (NP_003997.2, residues 450-470): MDLQNQKLKE[Leu460Phe]NDWLTKTEER